The following is an entry in ClinVar:

NM_004859.4(CLTC):c.769C>T (p.Gln257Ter)

Gene: CLTC (clathrin heavy chain; plus strand). Cytogenetic location: 17q23.1.
Variant type: single nucleotide variant.
Coding change: c.769C>T on transcript NM_004859.4 (MANE Select); coding-DNA position 769, C replaced by T.
Protein change: p.Gln257Ter; replaces glutamine 257 with a stop codon.
Molecular consequence: nonsense.
Genome position (GRCh38, 1-based): chr17:59,651,290, C>T. VCF-style: chr17-59651290-C-T. GRCh37 (hg19) VCF-style: chr17-57728651-C-T.
Other names: c.781C>T, p.Gln261Ter (NM_001288653.2); short protein forms Q261*, Q257*.
Identifiers: ClinVar variation 489236 (VCV000489236.4), dbSNP rs1555603752, ClinGen allele CA400422325.
Genomic context (GRCh38, chr17:59,651,290, plus strand): 5'-CCTACAGGGAACCAGCCCTTTCCAAAGAAGGCAGTGGATGTCTTCTTTCCTCCAGAAGCA[C>T]AAAATGATTTTCCTGTTGCAATGCAGGTATTTTAAGCAAAATAAATGACTTTTTAAAAAT-3'

ClinVar aggregate classification (germline): Pathogenic (1 of 4 stars; one submission).

Submission:

GeneDx
Classification: Pathogenic. Last evaluated: 2022-09-16. Review status: criteria provided, single submitter. Criteria: GeneDx Variant Classification Process June 2021. Collection method: clinical testing. Allele origin: germline. Affected: yes.
Comment: Nonsense variant predicted to result in protein truncation or nonsense mediated decay in a gene for which loss of function is a known mechanism of disease; Not observed at significant frequency in large population cohorts (gnomAD); Has not been previously published as pathogenic or benign to our knowledge